The following is an entry in ClinVar:

NM_144596.4(TTC8):c.153G>A (p.Trp51Ter)

Gene: TTC8 (tetratricopeptide repeat domain 8; plus strand). Cytogenetic location: 14q31.3.
Variant type: single nucleotide variant.
Coding change: c.153G>A on transcript NM_144596.4 (MANE Select); coding-DNA position 153, G replaced by A.
Protein change: p.Trp51Ter; replaces tryptophan 51 with a stop codon.
Molecular consequence: nonsense. On other transcripts: 5 prime UTR variant (2), non-coding transcript variant (1).
Genome position (GRCh38, 1-based): chr14:88,839,460, G>A. VCF-style: chr14-88839460-G-A. GRCh37 (hg19) VCF-style: chr14-89305804-G-A.
Other names: c.123G>A, p.Trp41Ter (NM_001288781.1, NM_001366535.2, NM_001366536.2 and 2 more transcripts); c.-440G>A (NM_001288782.1); c.-535G>A (NM_001288783.1); short protein forms W41*, W51*.
Identifiers: ClinVar variation 3686329 (VCV003686329.2).
Genomic context (GRCh38, chr14:88,839,460, plus strand): 5'-TAGTATTTCTAATGCTATTTTAATATATGTTTTATTTATCCATGGGTTTTAGGCAGCTTG[G>A]ATCTTAAAAGCAAGAGCGCTAACAGAAATGGTATACATAGATGAAATTGATGTAGATCAG-3'

ClinVar aggregate classification (germline): Pathogenic (1 of 4 stars; one submission).

Conditions:
Bardet-Biedl syndrome (BBS). Identifiers: Orphanet 110, MedGen C0752166, MONDO:0015229.

Submission:

Labcorp Genetics (formerly Invitae), Labcorp
Classification: Pathogenic for Bardet-Biedl syndrome. Last evaluated: 2025-08-11. Review status: criteria provided, single submitter. Criteria: Invitae Variant Classification Sherloc (09022015). Collection method: clinical testing. Allele origin: germline.
Comment: This sequence change creates a premature translational stop signal (p.Trp41*) in the TTC8 gene. It is expected to result in an absent or disrupted protein product. Loss-of-function variants in TTC8 are known to be pathogenic (PMID: 16308660, 16877420, 19797195, 21052717, 30886724). This variant is not present in population databases (gnomAD no frequency). This premature translational stop signal has been observed in individual(s) with Bardet-Biedl syndrome (PMID: 19797195). ClinVar contains an entry for this variant (Variation ID: 3686329). For these reasons, this variant has been classified as Pathogenic.

Literature cited by the submitters: PubMed 16308660; PubMed 16877420; PubMed 19797195; PubMed 21052717; PubMed 30886724.